The following is an entry in ClinVar:

NM_001814.6(CTSC):c.625A>C (p.Ser209Arg)

Gene: CTSC (cathepsin C; minus strand). Cytogenetic location: 11q14.2.
Variant type: single nucleotide variant.
Coding change: c.625A>C on transcript NM_001814.6 (MANE Select); coding-DNA position 625, A replaced by C.
Protein change: p.Ser209Arg; replaces serine 209 with arginine.
Molecular consequence: missense variant.
Genome position (GRCh38, 1-based): chr11:88,309,179, T>G on the plus strand (A>C on the coding strand, the complement: CTSC is on the minus strand). VCF-style: chr11-88309179-T-G. GRCh37 (hg19) VCF-style: chr11-88042347-T-G.
Other names: short protein forms S209R.
Identifiers: ClinVar variation 2076974 (VCV002076974.2), dbSNP rs1216773092, ClinGen allele CA382024933.
Genomic context (GRCh38, chr11:88,309,179, plus strand): 5'-CAGCATTCATATTTTTATTAATGATAAAATGTGTGCTTGATTACCTTGGGATTTTTCGAC[T>G]GTGGCCACCACTTCTCCTAATCATATCTCCCAGGGTAAGAGTCTCATATTCCATGTATGT-3'
Protein context (NP_001805.4, residues 199-219): GDMIRRSGGH[Ser209Arg]RKIPRPKPAP

ClinVar aggregate classification (germline): Uncertain significance. Review status: criteria provided, multiple submitters, no conflicts (2 of 4 stars). 2 submissions from 2 submitters: Uncertain significance (2). Last evaluated 2022-07-05.

Conditions:
Periodontitis, aggressive. Identifiers: MedGen C0031106, MONDO:0980757.
Haim-Munk syndrome (HMS). Also called: COCHIN JEWISH DISORDER; KERATOSIS PALMOPLANTARIS WITH PERIODONTOPATHIA AND ONYCHOGRYPOSIS. Identifiers: Orphanet 2342, MedGen C1855627, MONDO:0009491, OMIM 245010.
Papillon-Lefèvre syndrome (PALS). Also called: KERATOSIS PALMOPLANTARIS WITH PERIODONTOPATHIA; Papillon-Lefevre Disease. Identifiers: Orphanet 678, MedGen C0030360, MONDO:0009490, OMIM 245000.
Inborn genetic diseases. Identifiers: MedGen C0950123, MeSH D030342.

Allele frequency attached by ClinVar (database versions not stated): TOPMed below 0.00001; gnomAD exomes 0.00001.
gnomAD v4.1: 8 of 1,613,988 alleles (0.0005%); highest among the groups gnomAD compares: African/African-American, 0.011%; no homozygotes.

Submissions (2):

Ambry Genetics
Classification: Uncertain significance for Inborn genetic diseases. Last evaluated: 2022-07-05. Review status: criteria provided, single submitter. Criteria: Ambry Variant Classification Scheme 2023. Collection method: clinical testing. Allele origin: germline.

Labcorp Genetics (formerly Invitae), Labcorp
Classification: Uncertain significance for Haim-Munk syndrome; Periodontitis, aggressive; Papillon-Lefèvre syndrome. Last evaluated: 2022-05-29. Review status: criteria provided, single submitter. Criteria: Invitae Variant Classification Sherloc (09022015). Collection method: clinical testing. Allele origin: germline.
Comment: This sequence change replaces serine, which is neutral and polar, with arginine, which is basic and polar, at codon 209 of the CTSC protein (p.Ser209Arg). This variant is not present in population databases (gnomAD no frequency). This variant has not been reported in the literature in individuals affected with CTSC-related conditions. Algorithms developed to predict the effect of missense changes on protein structure and function output the following: SIFT: "Not Available"; PolyPhen-2: "Benign"; Align-GVGD: "Not Available". The arginine amino acid residue is found in multiple mammalian species, which suggests that this missense change does not adversely affect protein function. In summary, the available evidence is currently insufficient to determine the role of this variant in disease. Therefore, it has been classified as a Variant of Uncertain Significance.